The following is an entry in ClinVar:

NM_005027.4(PIK3R2):c.103C>T (p.Arg35Trp)

Gene: PIK3R2 (phosphoinositide-3-kinase regulatory subunit 2; plus strand). Cytogenetic location: 19p13.11.
Variant type: single nucleotide variant.
Coding change: c.103C>T on transcript NM_005027.4 (MANE Select); coding-DNA position 103, C replaced by T.
Protein change: p.Arg35Trp; replaces arginine 35 with tryptophan.
Molecular consequence: missense variant. On other transcripts: non-coding transcript variant (2).
Genome position (GRCh38, 1-based): chr19:18,155,982, C>T. VCF-style: chr19-18155982-C-T. GRCh37 (hg19) VCF-style: chr19-18266792-C-T.
Other names: c.103C>T (NM_005027.2); short protein forms R35W.
Identifiers: ClinVar variation 2730868 (VCV002730868.4), dbSNP rs1476263817, ClinGen allele CA404800100.

ClinVar aggregate classification (germline): Uncertain significance. Review status: criteria provided, multiple submitters, no conflicts (2 of 4 stars). 2 submissions from 2 submitters: Uncertain significance (2). Last evaluated 2025-03-27.

Conditions:
Megalencephaly-polymicrogyria-postaxial polydactyly-hydrocephalus syndrome. Also called: MEG-PMG-MEGACC SYNDROME; MPPH Syndrome. Identifiers: Orphanet 83473, MedGen C1863924, MONDO:0019375.
Inborn genetic diseases. Identifiers: MedGen C0950123, MeSH D030342.

Allele frequency attached by ClinVar (database versions not stated): gnomAD 0.00001; TOPMed 0.00004.

Submissions (2):

Ambry Genetics
Classification: Uncertain significance for Inborn genetic diseases. Last evaluated: 2025-03-27. Review status: criteria provided, single submitter. Criteria: Ambry Variant Classification Scheme 2023. Collection method: clinical testing. Allele origin: germline.

Labcorp Genetics (formerly Invitae), Labcorp
Classification: Uncertain significance for Megalencephaly-polymicrogyria-postaxial polydactyly-hydrocephalus syndrome. Last evaluated: 2023-07-26. Review status: criteria provided, single submitter. Criteria: Invitae Variant Classification Sherloc (09022015). Collection method: clinical testing. Allele origin: germline.
Comment: In summary, the available evidence is currently insufficient to determine the role of this variant in disease. Therefore, it has been classified as a Variant of Uncertain Significance. Advanced modeling of protein sequence and biophysical properties (such as structural, functional, and spatial information, amino acid conservation, physicochemical variation, residue mobility, and thermodynamic stability) performed at Invitae indicates that this missense variant is expected to disrupt PIK3R2 protein function. This variant has not been reported in the literature in individuals affected with PIK3R2-related conditions. The frequency data for this variant in the population databases is considered unreliable, as metrics indicate poor data quality at this position in the gnomAD database. This sequence change replaces arginine, which is basic and polar, with tryptophan, which is neutral and slightly polar, at codon 35 of the PIK3R2 protein (p.Arg35Trp).